The following is an entry in ClinVar:

ClinVar aggregate classification (germline): Uncertain significance (1 of 4 stars; one submission).

Conditions:
Renal cell carcinoma. Identifiers: Orphanet 217071, MedGen C0007134, MeSH D002292, MONDO:0005086, HP:0005584.

gnomAD v4.1: 1 of 1,614,094 alleles (0.000062%); highest among the groups gnomAD compares: East Asian, 0.0022%; no homozygotes.

Submission:

Labcorp Genetics (formerly Invitae), Labcorp
Classification: Uncertain significance for Renal cell carcinoma. Last evaluated: 2024-02-15. Review status: criteria provided, single submitter. Criteria: Invitae Variant Classification Sherloc (09022015). Collection method: clinical testing. Allele origin: germline.
Comment: This sequence change replaces histidine, which is basic and polar, with proline, which is neutral and non-polar, at codon 150 of the MET protein (p.His150Pro). This variant is not present in population databases (gnomAD no frequency). This variant has not been reported in the literature in individuals affected with MET-related conditions. An algorithm developed to predict the effect of missense changes on protein structure and function (PolyPhen-2) suggests that this variant is likely to be tolerated. In summary, the available evidence is currently insufficient to determine the role of this variant in disease. Therefore, it has been classified as a Variant of Uncertain Significance.

NM_000245.4(MET):c.449A>C (p.His150Pro)

Gene: MET (MET proto-oncogene, receptor tyrosine kinase; plus strand). Cytogenetic location: 7q31.2.
Variant type: single nucleotide variant.
Coding change: c.449A>C on transcript NM_000245.4 (MANE Select); coding-DNA position 449, A replaced by C.
Protein change: p.His150Pro; replaces histidine 150 with proline.
Molecular consequence: missense variant. On other transcripts: intron variant (1).
Genome position (GRCh38, 1-based): chr7:116,699,533, A>C. VCF-style: chr7-116699533-A-C. GRCh37 (hg19) VCF-style: chr7-116339587-A-C.
Other names: c.449A>C, p.His150Pro (NM_001127500.3, NM_001324401.3); c.-91+26956A>C (NM_001324402.2); short protein forms H150P.
Identifiers: ClinVar variation 3701715 (VCV003701715.2).